The following is an entry in ClinVar:

NM_024711.6(GIMAP6):c.86-128G>C

Gene: GIMAP6 (GTPase, IMAP family member 6; minus strand). Cytogenetic location: 7q36.1.
Variant type: single nucleotide variant.
Coding change: c.86-128G>C on transcript NM_024711.6 (MANE Select); 128 bases into the intron before coding-DNA position 86, G replaced by C.
Molecular consequence: intron variant. On other transcripts: missense variant (1).
Genome position (GRCh38, 1-based): chr7:150,628,640, C>G on the plus strand (G>C on the coding strand, the complement: GIMAP6 is on the minus strand). VCF-style: chr7-150628640-C-G. GRCh37 (hg19) VCF-style: chr7-150325728-C-G.
Other names: c.168G>C, p.Gln56His (NM_001244072.2); c.86-352G>C (NM_001244071.2); short protein forms Q56H.
Identifiers: ClinVar variation 5040806 (VCV005040806.1).
Genomic context (GRCh38, chr7:150,628,640, plus strand): 5'-AGGAGCCTCTGGGTGTACCCCCAGACTGCAGGGGCAGATTGTAAAAGACCAACATCTGCC[C>G]TGAAACCAGCGCTGGGCCACCATTCTGGGCCCACATCCTTGAAGGTGGGGCTGAACGTTC-3'

ClinVar aggregate classification (germline): Likely benign (1 of 4 stars; one submission).

Submission:

CeGaT Center for Human Genetics Tuebingen
Classification: Likely benign. Last evaluated: 2026-09-01. Review status: criteria provided, single submitter. Criteria: CeGaT Center For Human Genetics Tuebingen Variant Classification Criteria Version 2. Collection method: clinical testing. Allele origin: germline. Affected: yes. Observed: 2 variant alleles.
Comment: GIMAP6: BP4, BS2